The following is an entry in ClinVar:

ClinVar aggregate classification (germline): Benign/Likely benign. Review status: criteria provided, multiple submitters, no conflicts (2 of 4 stars). 3 submissions from 3 submitters: Benign (1); Likely benign (2). Last evaluated 2025-12-08.

Conditions:
Hereditary cancer-predisposing syndrome. Also called: Neoplastic Syndromes, Hereditary; Tumor predisposition; Hereditary Cancer Syndrome; Hereditary neoplastic syndrome. Identifiers: Orphanet 140162, MedGen C0027672, MeSH D009386, MONDO:0015356.
Oligodontia-cancer predisposition syndrome. Also called: TOOTH AGENESIS-COLORECTAL CANCER SYNDROME. Identifiers: Orphanet 300576, MedGen C1837750, MONDO:0012075, OMIM 608615. Disease mechanism: loss of function.

gnomAD v4.1: 11 of 1,613,938 alleles (0.00068%); highest among the groups gnomAD compares: Non-Finnish European, 0.00093%; no homozygotes.

Submissions (3):

Labcorp Genetics (formerly Invitae), Labcorp
Classification: Likely benign for Oligodontia-cancer predisposition syndrome. Last evaluated: 2025-12-08. Review status: criteria provided, single submitter. Criteria: Invitae Variant Classification Sherloc (09022015). Collection method: clinical testing. Allele origin: germline.

Myriad Genetics, Inc.
Classification: Benign for Oligodontia-cancer predisposition syndrome. Last evaluated: 2024-07-05. Review status: criteria provided, single submitter. Criteria: Myriad Autosomal Dominant, Autosomal Recessive and X-Linked Classification Criteria (2023). Collection method: clinical testing. Allele origin: unknown.
Comment: This variant is considered benign. This variant is a silent/synonymous amino acid change and it is not expected to impact splicing.

Ambry Genetics
Classification: Likely benign for Hereditary cancer-predisposing syndrome. Last evaluated: 2021-03-30. Review status: criteria provided, single submitter. Criteria: Ambry Variant Classification Scheme 2023. Collection method: clinical testing. Allele origin: germline.

NM_004655.4(AXIN2):c.1635G>C (p.Gly545=)

Gene: AXIN2 (axin 2; minus strand). Cytogenetic location: 17q24.1.
Variant type: single nucleotide variant.
Coding change: c.1635G>C on transcript NM_004655.4 (MANE Select); coding-DNA position 1635, G replaced by C.
Protein change: p.Gly545=; no amino-acid change (glycine 545 retained).
Molecular consequence: synonymous variant.
Genome position (GRCh38, 1-based): chr17:65,537,401, C>G on the plus strand (G>C on the coding strand, the complement: AXIN2 is on the minus strand). VCF-style: chr17-65537401-C-G. GRCh37 (hg19) VCF-style: chr17-63533519-C-G.
Other names: c.1635G>C, p.Gly545= (NM_001363813.1); c.1635G>C (LRG_296t1).
Identifiers: ClinVar variation 464558 (VCV000464558.14), dbSNP rs778710067, ClinGen allele CA8718591.